The following is an entry in ClinVar:

NM_001354712.2(THRB):c.1285C>T (p.Arg429Trp)

Gene: THRB (thyroid hormone receptor beta; minus strand). Cytogenetic location: 3p24.2.
Variant type: single nucleotide variant.
Coding change: c.1285C>T on transcript NM_001354712.2 (MANE Select); coding-DNA position 1285, C replaced by T.
Protein change: p.Arg429Trp; replaces arginine 429 with tryptophan.
Molecular consequence: missense variant.
Genome position (GRCh38, 1-based): chr3:24,122,985, G>A on the plus strand (C>T on the coding strand, the complement: THRB is on the minus strand). VCF-style: chr3-24122985-G-A. GRCh37 (hg19) VCF-style: chr3-24164476-G-A.
Other names: c.1285C>T, p.Arg429Trp (NM_000461.5, NM_001128176.3, NM_001128177.2 and 11 more transcripts); c.1192C>T, p.Arg398Trp (NM_001354714.2, NM_001354715.2); c.1114C>T, p.Arg372Trp (NM_001374827.1); short protein forms R429W, R398W, R372W.
Identifiers: ClinVar variation 3572085 (VCV003572085.1).
Genomic context (GRCh38, chr3:24,122,985, plus strand): 5'-CTGTGGGGCATTCCACCTTCATGTGCAGGAAGCGGCTGGCATGGCAGGCTCCTATCATCC[G>A]CAGATCTGTCACCTTCATCAGGAGTTTTGGCCAAAAGTGTGTCACGTGGTGTTTTCGGTA-3'
Protein context (NP_001341641.1, residues 419-439): PKLLMKVTDL[Arg429Trp]MIGACHASRF

ClinVar aggregate classification (germline): Uncertain significance (1 of 4 stars; one submission).

Submission:

Quest Diagnostics Nichols Institute San Juan Capistrano
Classification: Uncertain significance. Last evaluated: 2024-06-28. Review status: criteria provided, single submitter. Criteria: Quest Diagnostics criteria. Collection method: clinical testing. Allele origin: unknown.
Comment: The THRB c.1285C>T (p.Arg429Trp) variant has been reported in the published literature in a family with thyrotoxicosis and severe pituitary resistance resulting in total thryoidectomies for multiple family members (PMID: 12006711 (2002)). However, this variant has also been seen in trans with a pathogenic THRB variant in an infant with severe thyroid hormone resistance, suggesting the current variant may not play a role in disease (PMID: 22551329 (2012)). Additionally, one functional study reports the variant retains normal function and does not impact T3 binding or transactivation (PMID: 8040316 (1994)). This variant has not been reported in large, multi-ethnic general populations (Genome Aggregation Database). Analysis of this variant using bioinformatics tools for the prediction of the effect of amino acid changes on protein structure and function yielded predictions that this variant is damaging. Based on the available information, we are unable to determine the clinical significance of this variant.

Literature cited by the submitters: PubMed 12006711; PubMed 22551329; PubMed 8040316.